The following is an entry in ClinVar:

ClinVar aggregate classification (germline): Uncertain significance (1 of 4 stars; one submission).

Conditions:
Emery-Dreifuss muscular dystrophy 5, autosomal dominant (EDMD5). Also called: EMERY-DREIFUSS MUSCULAR DYSTROPHY 5. Identifiers: Orphanet 261, MedGen C2751805, MONDO:0013072, OMIM 612999.

Submission:

Labcorp Genetics (formerly Invitae), Labcorp
Classification: Uncertain significance for Emery-Dreifuss muscular dystrophy 5, autosomal dominant. Last evaluated: 2022-07-19. Review status: criteria provided, single submitter. Criteria: Invitae Variant Classification Sherloc (09022015). Collection method: clinical testing. Allele origin: germline.
Comment: This sequence change creates a premature translational stop signal (p.Glu3506Valfs*7) in the SYNE2 gene. It is expected to result in an absent or disrupted protein product. However, the current clinical and genetic evidence is not sufficient to establish whether loss-of-function variants in SYNE2 cause disease. In summary, the available evidence is currently insufficient to determine the role of this variant in disease. Therefore, it has been classified as a Variant of Uncertain Significance. This variant has not been reported in the literature in individuals affected with SYNE2-related conditions. This variant is not present in population databases (gnomAD no frequency).

NM_182914.3(SYNE2):c.10516_10517insTG (p.Glu3506fs)

Gene: SYNE2 (spectrin repeat containing nuclear envelope protein 2; plus strand). Cytogenetic location: 14q23.2.
Variant type: Insertion.
Coding change: c.10516_10517insTG on transcript NM_182914.3 (MANE Select); coding-DNA positions 10516 to 10517, TG inserted.
Protein change: p.Glu3506fs; shifts the reading frame from glutamic acid 3506.
Molecular consequence: frameshift variant.
Genome position: GRCh38 VCF-style: chr14-64070728-G-GGT. GRCh37 (hg19) VCF-style: chr14-64537446-G-GGT.
Other names: c.10516_10517insTG, p.Glu3506fs (NM_015180.6); short protein forms E3506fs.
Identifiers: ClinVar variation 2018182 (VCV002018182.4), dbSNP rs2548503548, ClinGen allele CA2580088323.